The following is an entry in ClinVar:

NM_002485.5(NBN):c.366C>G (p.Val122=)

Gene: NBN (nibrin; minus strand). Cytogenetic location: 8q21.3.
Variant type: single nucleotide variant.
Coding change: c.366C>G on transcript NM_002485.5 (MANE Select); coding-DNA position 366, C replaced by G.
Protein change: p.Val122=; no amino-acid change (valine 122 retained).
Molecular consequence: synonymous variant.
Genome position (GRCh38, 1-based): chr8:89,980,848, G>C on the plus strand (C>G on the coding strand, the complement: NBN is on the minus strand). VCF-style: chr8-89980848-G-C. GRCh37 (hg19) VCF-style: chr8-90993076-G-C.
Other names: c.120C>G, p.Val40= (NM_001024688.3).
Identifiers: ClinVar variation 1701550 (VCV001701550.31), dbSNP rs748684665, ClinGen allele CA461831395.

ClinVar aggregate classification (germline): Likely benign (1 of 4 stars; one submission).

Submission:

CeGaT Center for Human Genetics Tuebingen
Classification: Likely benign. Last evaluated: 2022-07-01. Review status: criteria provided, single submitter. Criteria: CeGaT Center For Human Genetics Tuebingen Variant Classification Criteria Version 2. Collection method: clinical testing. Allele origin: germline. Affected: yes. Observed: 1 variant allele.
Comment: NBN: PM2:Supporting, BP4, BP7